The following is an entry in ClinVar:

ClinVar aggregate classification (germline): Benign/Likely benign. Review status: criteria provided, multiple submitters, no conflicts (2 of 4 stars). 8 submissions from 8 submitters: Benign (1); Likely benign (7). Last evaluated 2025-12-31.

Conditions:
Hereditary cancer-predisposing syndrome. Also called: Hereditary Cancer Syndrome; Neoplastic Syndromes, Hereditary; Tumor predisposition; Hereditary neoplastic syndrome. Identifiers: Orphanet 140162, MedGen C0027672, MeSH D009386, MONDO:0015356.
Hereditary diffuse gastric adenocarcinoma (HDGC). Also called: DIFFUSE GASTRIC AND LOBULAR BREAST CANCER SYNDROME. Identifiers: Orphanet 26106, MedGen C1708349, MONDO:0007648, OMIM 137215.

Allele frequency attached by ClinVar (database versions not stated): gnomAD exomes below 0.00001; ExAC 0.00001; gnomAD 0.00002; TOPMed 0.00002; ESP Exome Variant Server 0.00008.
gnomAD v4.1: 3 of 1,613,950 alleles (0.00019%); highest among the groups gnomAD compares: African/African-American, 0.004%; no homozygotes.

Submissions (8):

Women's Health and Genetics/Laboratory Corporation of America, LabCorp
Classification: Likely benign. Last evaluated: 2025-12-31. Review status: criteria provided, single submitter. Criteria: LabCorp Variant Classification Summary - May 2015. Collection method: clinical testing. Allele origin: germline.

Quest Diagnostics Nichols Institute San Juan Capistrano
Classification: Likely benign. Last evaluated: 2025-10-13. Review status: criteria provided, single submitter. Criteria: Quest Diagnostics criteria. Collection method: clinical testing. Allele origin: unknown.

Labcorp Genetics (formerly Invitae), Labcorp
Classification: Likely benign for Hereditary diffuse gastric adenocarcinoma. Last evaluated: 2025-09-24. Review status: criteria provided, single submitter. Criteria: Invitae Variant Classification Sherloc (09022015). Collection method: clinical testing. Allele origin: germline.

Color Diagnostics, LLC DBA Color Health
Classification: Likely benign for Hereditary cancer-predisposing syndrome. Last evaluated: 2025-06-09. Review status: criteria provided, single submitter. Criteria: ACMG Guidelines, 2015. Collection method: clinical testing. Allele origin: germline.

Myriad Genetics, Inc.
Classification: Benign for Hereditary diffuse gastric adenocarcinoma. Last evaluated: 2024-09-20. Review status: criteria provided, single submitter. Criteria: Myriad Autosomal Dominant, Autosomal Recessive and X-Linked Classification Criteria (2023). Collection method: clinical testing. Allele origin: unknown.
Comment: This variant is considered benign. This variant is a silent/synonymous amino acid change and it is not expected to impact splicing.

Sema4
Classification: Likely benign for Hereditary cancer-predisposing syndrome. Last evaluated: 2021-12-13. Review status: criteria provided, single submitter. Criteria: Sema4 Curation Guidelines. Collection method: curation. Allele origin: germline.

GeneDx
Classification: Likely benign. Last evaluated: 2017-04-13. Review status: criteria provided, single submitter. Criteria: GeneDx Variant Classification (06012015). Collection method: clinical testing. Allele origin: germline. Affected: yes.
Comment: This variant is considered likely benign or benign based on one or more of the following criteria: it is a conservative change, it occurs at a poorly conserved position in the protein, it is predicted to be benign by multiple in silico algorithms, and/or has population frequency not consistent with disease.

Ambry Genetics
Classification: Likely benign for Hereditary cancer-predisposing syndrome. Last evaluated: 2015-04-20. Review status: criteria provided, single submitter. Criteria: Ambry Variant Classification Scheme 2023. Collection method: clinical testing. Allele origin: germline.

NM_004360.5(CDH1):c.1824G>A (p.Lys608=)

Gene: CDH1 (cadherin 1; plus strand). Cytogenetic location: 16q22.1.
Variant type: single nucleotide variant.
Coding change: c.1824G>A on transcript NM_004360.5 (MANE Select); coding-DNA position 1824, G replaced by A.
Protein change: p.Lys608=; no amino-acid change (lysine 608 retained).
Molecular consequence: synonymous variant. On other transcripts: 5 prime UTR variant (1).
Genome position (GRCh38, 1-based): chr16:68,822,113, G>A. VCF-style: chr16-68822113-G-A. GRCh37 (hg19) VCF-style: chr16-68856016-G-A.
Other names: c.1824G>A (LRG_301t1, NM_004360.4); c.1641G>A, p.Lys547= (NM_001317184.2); c.276G>A, p.Lys92= (NM_001317185.2); c.-142G>A (NM_001317186.2).
Identifiers: ClinVar variation 231490 (VCV000231490.20), dbSNP rs373987896, ClinGen allele CA8130153.